The following is an entry in ClinVar:

ClinVar aggregate classification (germline): Uncertain significance (1 of 4 stars; one submission).

Conditions:
Primary ciliary dyskinesia. Also called: Ciliary dyskinesia. Identifiers: Orphanet 244, MedGen C0008780, MONDO:0016575, HP:0012265.

Allele frequency attached by ClinVar (database versions not stated): TOPMed below 0.00001; gnomAD 0.00001.
gnomAD v4.1: 1 of 1,613,264 alleles (0.000062%); highest among the groups gnomAD compares: African/African-American, 0.0013%; no homozygotes.

Submission:

Labcorp Genetics (formerly Invitae), Labcorp
Classification: Uncertain significance for Primary ciliary dyskinesia. Last evaluated: 2019-01-16. Review status: criteria provided, single submitter. Criteria: Invitae Variant Classification Sherloc (09022015). Collection method: clinical testing. Allele origin: germline.
Comment: This sequence change replaces valine with glycine at codon 2876 of the DNAH11 protein (p.Val2876Gly). The valine residue is highly conserved and there is a moderate physicochemical difference between valine and glycine. This variant is not present in population databases (ExAC no frequency). This variant has not been reported in the literature in individuals with DNAH11-related conditions. Algorithms developed to predict the effect of missense changes on protein structure and function (SIFT, PolyPhen-2, Align-GVGD) all suggest that this variant is likely to be disruptive, but these predictions have not been confirmed by published functional studies and their clinical significance is uncertain. In summary, the available evidence is currently insufficient to determine the role of this variant in disease. Therefore, it has been classified as a Variant of Uncertain Significance.

NM_001277115.2(DNAH11):c.8627T>G (p.Val2876Gly)

Gene: DNAH11 (dynein axonemal heavy chain 11; plus strand). Cytogenetic location: 7p15.3.
Variant type: single nucleotide variant.
Coding change: c.8627T>G on transcript NM_001277115.2 (MANE Select); coding-DNA position 8627, T replaced by G.
Protein change: p.Val2876Gly; replaces valine 2876 with glycine.
Molecular consequence: missense variant.
Genome position (GRCh38, 1-based): chr7:21,748,696, T>G. VCF-style: chr7-21748696-T-G. GRCh37 (hg19) VCF-style: chr7-21788314-T-G.
Other names: short protein forms V2876G.
Identifiers: ClinVar variation 842473 (VCV000842473.1), dbSNP rs753221223, ClinGen allele CA366955377.